The following is an entry in ClinVar:

ClinVar aggregate classification (germline): Likely benign. Review status: criteria provided, multiple submitters, no conflicts (2 of 4 stars). 2 submissions from 2 submitters: Likely benign (2). Last evaluated 2025-08-14.

Conditions:
Mowat-Wilson syndrome (MOWS). Also called: Classic Mowat-Wilson Syndrome. Identifiers: Orphanet 2152, MedGen C1856113, MONDO:0009341, OMIM 235730.

Allele frequency attached by ClinVar (database versions not stated): TOPMed below 0.00001; ExAC 0.00001; gnomAD 0.00001; gnomAD exomes 0.00002.
gnomAD v4.1: 29 of 1,613,930 alleles (0.0018%); highest among the groups gnomAD compares: Non-Finnish European, 0.0025%; no homozygotes.

Submissions (2):

Labcorp Genetics (formerly Invitae), Labcorp
Classification: Likely benign for Mowat-Wilson syndrome. Last evaluated: 2025-08-14. Review status: criteria provided, single submitter. Criteria: Invitae Variant Classification Sherloc (09022015). Collection method: clinical testing. Allele origin: germline.

GeneDx
Classification: Likely benign. Last evaluated: 2018-03-21. Review status: criteria provided, single submitter. Criteria: GeneDx Variant Classification (06012015). Collection method: clinical testing. Allele origin: germline. Affected: yes.
Comment: This variant is considered likely benign or benign based on one or more of the following criteria: it is a conservative change, it occurs at a poorly conserved position in the protein, it is predicted to be benign by multiple in silico algorithms, and/or has population frequency not consistent with disease.

NM_014795.4(ZEB2):c.2733A>G (p.Pro911=)

Gene: ZEB2 (zinc finger E-box binding homeobox 2; minus strand). Cytogenetic location: 2q22.3.
Variant type: single nucleotide variant.
Coding change: c.2733A>G on transcript NM_014795.4 (MANE Select); coding-DNA position 2733, A replaced by G.
Protein change: p.Pro911=; no amino-acid change (proline 911 retained).
Molecular consequence: synonymous variant.
Genome position (GRCh38, 1-based): chr2:144,398,454, T>C on the plus strand (A>G on the coding strand, the complement: ZEB2 is on the minus strand). VCF-style: chr2-144398454-T-C. GRCh37 (hg19) VCF-style: chr2-145156021-T-C.
Other names: c.2661A>G, p.Pro887= (NM_001171653.2).
Identifiers: ClinVar variation 681072 (VCV000681072.9), dbSNP rs750408329, ClinGen allele CA1898215.
Genomic context (GRCh38, chr2:144,398,454, plus strand): 5'-GAAGCTCATCTGATCCAGTCCTGGGTATGGTCGTAGCCCAGGAATACTGGTCTGGACTGG[T>C]GGCATGAAAGTAGCAGGGGGAAATGCGCTTTGAGGTGGAAGAGCTGTGTATAAAGGTTTG-3'
Protein context (NP_055610.1, residues 901-921): QSAFPPATFM[Pro911=]PVQTSIPGLR